The following is an entry in ClinVar:

ClinVar aggregate classification (germline): Uncertain significance (1 of 4 stars; one submission).

Submission:

Labcorp Genetics (formerly Invitae), Labcorp
Classification: Uncertain significance. Last evaluated: 2022-07-27. Review status: criteria provided, single submitter. Criteria: Invitae Variant Classification Sherloc (09022015). Collection method: clinical testing. Allele origin: germline.
Comment: This variant is not present in population databases (gnomAD no frequency). This sequence change replaces histidine, which is basic and polar, with tyrosine, which is neutral and polar, at codon 563 of the ACAD9 protein (p.His563Tyr). This variant has not been reported in the literature in individuals affected with ACAD9-related conditions. In summary, the available evidence is currently insufficient to determine the role of this variant in disease. Therefore, it has been classified as a Variant of Uncertain Significance. Algorithms developed to predict the effect of missense changes on protein structure and function are either unavailable or do not agree on the potential impact of this missense change (SIFT: "Tolerated"; PolyPhen-2: "Probably Damaging"; Align-GVGD: "Class C0").

NM_014049.5(ACAD9):c.1687C>T (p.His563Tyr)

Genes: ACAD9 (acyl-CoA dehydrogenase family member 9; plus strand), CFAP92 (cilia and flagella associated protein 92 (putative); minus strand). Cytogenetic location: 3q21.3.
Variant type: single nucleotide variant.
Coding change: c.1687C>T on transcript NM_014049.5 (MANE Select); coding-DNA position 1687, C replaced by T.
Protein change: p.His563Tyr; replaces histidine 563 with tyrosine.
Molecular consequence: missense variant. On other transcripts: non-coding transcript variant (1), 3 prime UTR variant (3).
Genome position (GRCh38, 1-based): chr3:128,910,144, C>T. VCF-style: chr3-128910144-C-T. GRCh37 (hg19) VCF-style: chr3-128628987-C-T.
Other names: c.1318C>T, p.His440Tyr (NM_001410805.1); c.*155G>A (NM_001348520.2, NM_001348521.2, NM_001394090.1); short protein forms H563Y, H440Y.
Identifiers: ClinVar variation 1981450 (VCV001981450.4), dbSNP rs1057518752, ClinGen allele CA354440070.